The following is an entry in ClinVar:

NM_032444.4(SLX4):c.5204A>C (p.Glu1735Ala)

Gene: SLX4 (SLX4 structure-specific endonuclease subunit; minus strand). Cytogenetic location: 16p13.3.
Variant type: single nucleotide variant.
Coding change: c.5204A>C on transcript NM_032444.4 (MANE Select); coding-DNA position 5204, A replaced by C.
Protein change: p.Glu1735Ala; replaces glutamic acid 1735 with alanine.
Molecular consequence: missense variant.
Genome position (GRCh38, 1-based): chr16:3,582,643, T>G on the plus strand (A>C on the coding strand, the complement: SLX4 is on the minus strand). VCF-style: chr16-3582643-T-G. GRCh37 (hg19) VCF-style: chr16-3632644-T-G.
Other names: short protein forms E1735A.
Identifiers: ClinVar variation 2140761 (VCV002140761.4), dbSNP rs2548206618, ClinGen allele CA394513970.
Genomic context (GRCh38, chr16:3,582,643, plus strand): 5'-GCCTCGTCTGTGTCCGCCGCCTGCACGGCTGCCTGCGAGGCACTGACCTCCCCCTCGCCC[T>G]CCTCTTCACCTGCAGACTCAAATGCCGCTCCAAACTCACAGGAGGAAGAACTGAAAAGAG-3'
Protein context (NP_115820.2, residues 1725-1745): GAAFESAGEE[Glu1735Ala]GEGEVSASQA

ClinVar aggregate classification (germline): Uncertain significance (1 of 4 stars; one submission).

Conditions:
Fanconi anemia (FA). Also called: Fanconi's anemia. Identifiers: Orphanet 84, MedGen C0015625, MeSH D005199, MONDO:0019391.

Allele frequency attached by ClinVar (database versions not stated): gnomAD exomes below 0.00001.
gnomAD v4.1: 5 of 1,613,324 alleles (0.00031%); highest among the groups gnomAD compares: Non-Finnish European, 0.00034%; no homozygotes.

Submission:

Labcorp Genetics (formerly Invitae), Labcorp
Classification: Uncertain significance for Fanconi anemia. Last evaluated: 2022-03-18. Review status: criteria provided, single submitter. Criteria: Invitae Variant Classification Sherloc (09022015). Collection method: clinical testing. Allele origin: germline.
Comment: In summary, the available evidence is currently insufficient to determine the role of this variant in disease. Therefore, it has been classified as a Variant of Uncertain Significance. Algorithms developed to predict the effect of missense changes on protein structure and function (SIFT, PolyPhen-2, Align-GVGD) all suggest that this variant is likely to be tolerated. This variant has not been reported in the literature in individuals affected with SLX4-related conditions. This variant is not present in population databases (gnomAD no frequency). This sequence change replaces glutamic acid, which is acidic and polar, with alanine, which is neutral and non-polar, at codon 1735 of the SLX4 protein (p.Glu1735Ala).